The following is an entry in ClinVar:

ClinVar aggregate classification (germline): Uncertain significance (1 of 4 stars; one submission).

Conditions:
Familial thoracic aortic aneurysm and aortic dissection (TAAD). Also called: Thoracic aortic aneurysms and dissections. Identifiers: Orphanet 91387, MedGen C4707243, MONDO:0019625.

Submission:

Ambry Genetics
Classification: Uncertain significance for Familial thoracic aortic aneurysm and aortic dissection. Last evaluated: 2025-06-01. Review status: criteria provided, single submitter. Criteria: Ambry Variant Classification Scheme 2023. Collection method: clinical testing. Allele origin: germline.
Comment: The p.V596G variant (also known as c.1787T>G), located in coding exon 17 of the PLOD1 gene, results from a T to G substitution at nucleotide position 1787. The valine at codon 596 is replaced by glycine, an amino acid with dissimilar properties. This amino acid position is conserved. In addition, this alteration is predicted to be deleterious by in silico analysis. Based on the available evidence, the clinical significance of this variant remains unclear.

NM_000302.4(PLOD1):c.1787T>G (p.Val596Gly)

Gene: PLOD1 (procollagen-lysine,2-oxoglutarate 5-dioxygenase 1; plus strand). Cytogenetic location: 1p36.22.
Variant type: single nucleotide variant.
Coding change: c.1787T>G on transcript NM_000302.4 (MANE Select); coding-DNA position 1787, T replaced by G.
Protein change: p.Val596Gly; replaces valine 596 with glycine.
Molecular consequence: missense variant.
Genome position (GRCh38, 1-based): chr1:11,970,701, T>G. VCF-style: chr1-11970701-T-G. GRCh37 (hg19) VCF-style: chr1-12030758-T-G.
Other names: c.1928T>G, p.Val643Gly (NM_001316320.2); short protein forms V596G, V643G.
Identifiers: ClinVar variation 3934564 (VCV003934564.1).